The following is an entry in ClinVar:

NM_000057.4(BLM):c.174T>C (p.Pro58=)

Gene: BLM (BLM RecQ like helicase; plus strand). Cytogenetic location: 15q26.1.
Variant type: single nucleotide variant.
Coding change: c.174T>C on transcript NM_000057.4 (MANE Select); coding-DNA position 174, T replaced by C.
Protein change: p.Pro58=; no amino-acid change (proline 58 retained).
Molecular consequence: synonymous variant. On other transcripts: 5 prime UTR variant (1).
Genome position (GRCh38, 1-based): chr15:90,749,442, T>C. VCF-style: chr15-90749442-T-C. GRCh37 (hg19) VCF-style: chr15-91292672-T-C.
Other names: p.P58P:CCT>CCC; c.174T>C, p.Pro58= (NM_001287246.2, NM_001287247.2); c.-1118T>C (NM_001287248.2); c.174T>C (LRG_20t1).
Identifiers: ClinVar variation 136507 (VCV000136507.30), dbSNP rs576862402, ClinGen allele CA289683.

ClinVar aggregate classification (germline): Benign/Likely benign. Review status: criteria provided, multiple submitters, no conflicts (2 of 4 stars). 7 submissions from 7 submitters: Benign (1); Likely benign (4). 2 of the submissions do not count toward it. Last evaluated 2026-01-29.

Conditions:
BLM-related disorder. Also called: BLM-related condition.
Hereditary cancer-predisposing syndrome. Also called: Tumor predisposition; Hereditary neoplastic syndrome; Hereditary Cancer Syndrome; Neoplastic Syndromes, Hereditary. Identifiers: Orphanet 140162, MedGen C0027672, MeSH D009386, MONDO:0015356.
Bloom syndrome (BLM). Also called: Bloom-Torre-Machacek syndrome. Identifiers: Orphanet 125, MedGen C0005859, MONDO:0008876, OMIM 210900.

Allele frequency attached by ClinVar (database versions not stated): gnomAD exomes 0.00002 and 0.00004; ExAC 0.00006; 1000 Genomes Project 30x 0.00016; 1000 Genomes Project 0.00020; gnomAD 0.00021 and 0.00023; TOPMed 0.00022.
gnomAD v4.1: 58 of 1,612,290 alleles (0.0036%); highest among the groups gnomAD compares: African/African-American, 0.069%; no homozygotes.

Submissions (7):

Labcorp Genetics (formerly Invitae), Labcorp
Classification: Likely benign for Bloom syndrome. Last evaluated: 2026-01-29. Review status: criteria provided, single submitter. Criteria: Invitae Variant Classification Sherloc (09022015). Collection method: clinical testing. Allele origin: germline.

CeGaT Center for Human Genetics Tuebingen
Classification: Likely benign. Last evaluated: 2025-04-01. Review status: criteria provided, single submitter. Criteria: CeGaT Center For Human Genetics Tuebingen Variant Classification Criteria Version 2. Collection method: clinical testing. Allele origin: germline. Affected: yes. Observed: 1 variant allele.
Comment: BLM: BP4, BP7

Sema4
Classification: Likely benign for Hereditary cancer-predisposing syndrome. Last evaluated: 2021-08-04. Review status: criteria provided, single submitter. Criteria: Sema4 Curation Guidelines. Collection method: curation. Allele origin: germline.

Ambry Genetics
Classification: Likely benign for Hereditary cancer-predisposing syndrome. Last evaluated: 2017-05-04. Review status: criteria provided, single submitter. Criteria: Ambry Variant Classification Scheme 2023. Collection method: clinical testing. Allele origin: germline.

GeneDx
Classification: Benign. Last evaluated: 2014-02-14. Review status: criteria provided, single submitter. Criteria: GeneDx Variant Classification (06012015). Collection method: clinical testing. Allele origin: germline. Affected: yes.
Comment: This variant is considered likely benign or benign based on one or more of the following criteria: it is a conservative change, it occurs at a poorly conserved position in the protein, it is predicted to be benign by multiple in silico algorithms, and/or has population frequency not consistent with disease.

PreventionGenetics, part of Exact Sciences
Classification: Likely benign for BLM-related condition. Last evaluated: 2020-02-17. Review status: no assertion criteria provided. Collection method: clinical testing. Allele origin: germline. Not counted in ClinVar's aggregate classification.
Comment: This variant is classified as likely benign based on ACMG/AMP sequence variant interpretation guidelines (Richards et al. 2015 PMID: 25741868, with internal and published modifications).

Natera, Inc.
Classification: Likely benign for Bloom syndrome. Last evaluated: 2018-04-09. Review status: no assertion criteria provided. Collection method: clinical testing. Allele origin: germline. Not counted in ClinVar's aggregate classification.